The following is an entry in ClinVar:

NM_139076.3(ABRAXAS1):c.1098A>C (p.Gln366His)

Gene: ABRAXAS1 (abraxas 1, BRCA1 A complex subunit; minus strand). Cytogenetic location: 4q21.23.
Variant type: single nucleotide variant.
Coding change: c.1098A>C on transcript NM_139076.3 (MANE Select); coding-DNA position 1098, A replaced by C.
Protein change: p.Gln366His; replaces glutamine 366 with histidine.
Molecular consequence: missense variant.
Genome position (GRCh38, 1-based): chr4:83,462,601, T>G on the plus strand (A>C on the coding strand, the complement: ABRAXAS1 is on the minus strand). VCF-style: chr4-83462601-T-G. GRCh37 (hg19) VCF-style: chr4-84383754-T-G.
Other names: c.771A>C, p.Gln257His (NM_001345962.2); short protein forms Q366H, Q257H.
Identifiers: ClinVar variation 4762681 (VCV004762681.1).

ClinVar aggregate classification (germline): Uncertain significance (1 of 4 stars; one submission).

Submission:

Labcorp Genetics (formerly Invitae), Labcorp
Classification: Uncertain significance. Last evaluated: 2025-09-25. Review status: criteria provided, single submitter. Criteria: Invitae Variant Classification Sherloc (09022015). Collection method: clinical testing. Allele origin: germline.
Comment: This sequence change replaces glutamine, which is neutral and polar, with histidine, which is basic and polar, at codon 366 of the ABRAXAS1 protein (p.Gln366His). This variant is present in population databases (no rsID available, gnomAD 0.003%). This variant has not been reported in the literature in individuals affected with ABRAXAS1-related conditions. An algorithm developed to predict the effect of missense changes on protein structure and function (PolyPhen-2) suggests that this variant is likely to be tolerated. In summary, the available evidence is currently insufficient to determine the role of this variant in disease. Therefore, it has been classified as a Variant of Uncertain Significance.